The following is an entry in ClinVar:

ClinVar aggregate classification (germline): Pathogenic (1 of 4 stars; one submission).

Conditions:
Osteogenesis imperfecta type I (OI1). Also called: OI, TYPE I; OSTEOGENESIS IMPERFECTA TARDA; OSTEOGENESIS IMPERFECTA WITH BLUE SCLERAE; Lobstein disease; Osteogenesis imperfecta type 1; Lobstein's Disease. Identifiers: Orphanet 216796, Orphanet 666, MedGen C0023931, MONDO:0008146, OMIM 166200. Disease mechanism: loss of function.

Submission:

Labcorp Genetics (formerly Invitae), Labcorp
Classification: Pathogenic for Osteogenesis imperfecta type I. Last evaluated: 2020-01-02. Review status: criteria provided, single submitter. Criteria: Invitae Variant Classification Sherloc (09022015). Collection method: clinical testing. Allele origin: germline.
Comment: For these reasons, this variant has been classified as Pathogenic. Loss-of-function variants in COL1A1 are known to be pathogenic (PMID: 7942841, 9295084, 9443882). This variant has not been reported in the literature in individuals with COL1A1-related conditions. This variant is not present in population databases (ExAC no frequency). This sequence change creates a premature translational stop signal (p.Arg970*) in the COL1A1 gene. It is expected to result in an absent or disrupted protein product.

Literature cited by the submitters: PubMed 7942841; PubMed 9295084; PubMed 9443882.

NM_000088.4(COL1A1):c.2907_2908delinsAT (p.Arg970Ter)

Gene: COL1A1 (collagen type I alpha 1 chain; minus strand). Cytogenetic location: 17q21.33.
Variant type: Indel.
Coding change: c.2907_2908delinsAT on transcript NM_000088.4 (MANE Select); coding-DNA positions 2907 to 2908, GA replaced by AT.
Protein change: p.Arg970Ter; replaces arginine 970 with a stop codon.
Molecular consequence: nonsense.
Genome position (GRCh38, 1-based): chr17:50,189,197-50,189,198, TC replaced by AT on the plus strand (GA replaced by AT on the coding strand, the reverse complement: COL1A1 is on the minus strand). VCF-style: chr17-50189197-TC-AT. GRCh37 (hg19) VCF-style: chr17-48266558-TC-AT.
Other names: short protein forms R970*.
Identifiers: ClinVar variation 1070914 (VCV001070914.7), dbSNP rs2144548967, ClinGen allele CA2499224719.
Genomic context (GRCh38, chr17:50,189,197, plus strand): 5'-CAGGGCCCCCCAAGGTGAGGGGGGCACTTACAGAGGGGCCAGGAAGACCAGGGAAGCCTC[TC>AT]TCTCCTCTCTGACCAGGCAGGCCGACCACACCACGCTGTCCAGCAATACCTTGAGGCCCG-3'